The following is an entry in ClinVar:

ClinVar aggregate classification (germline): Uncertain significance. Review status: criteria provided, multiple submitters, no conflicts (2 of 4 stars). 3 submissions from 3 submitters: Uncertain significance (3). Last evaluated 2023-03-29.

Conditions:
Cardiovascular phenotype. Identifiers: MedGen CN230736.

Allele frequency attached by ClinVar (database versions not stated): gnomAD below 0.00001 and 0.00001; ExAC 0.00001; gnomAD exomes 0.00001 and 0.00002; TOPMed 0.00002.
gnomAD v4.1: 11 of 1,595,652 alleles (0.00069%); highest among the groups gnomAD compares: Admixed American, 0.007%; no homozygotes.

Submissions (3):

GeneDx
Classification: Uncertain significance. Last evaluated: 2023-03-29. Review status: criteria provided, single submitter. Criteria: GeneDx Variant Classification Process June 2021. Collection method: clinical testing. Allele origin: germline. Affected: yes.
Comment: Not observed at a significant frequency in large population cohorts (gnomAD); Missense variant in a gene in which most reported pathogenic variants are truncating/loss-of-function; Has not been previously published as pathogenic or benign to our knowledge; Located in the A-band region of TTN in which the majority of loss of function variants have been associated with autosomal dominant titinopathies (Herman et al., 2012)

Ambry Genetics
Classification: Uncertain significance for Cardiovascular phenotype. Last evaluated: 2018-11-28. Review status: criteria provided, single submitter. Criteria: Ambry Variant Classification Scheme 2023. Collection method: clinical testing. Allele origin: germline.
Comment: The p.A18747S variant (also known as c.56239G>T), located in coding exon 153 of the TTN gene, results from a G to T substitution at nucleotide position 56239. The alanine at codon 18747 is replaced by serine, an amino acid with similar properties. This amino acid position is highly conserved in available vertebrate species. In addition, this alteration is predicted to be tolerated by in silico analysis. Since supporting evidence is limited at this time, the clinical significance of this alteration remains unclear.

Eurofins Ntd Llc (ga)
Classification: Uncertain significance. Last evaluated: 2014-02-10. Review status: criteria provided, single submitter. Criteria: EGL Classification Definitions 2015. Collection method: clinical testing. Allele origin: germline. Observed: 1 variant allele, 1 heterozygote.

NM_001267550.2(TTN):c.83434G>T (p.Ala27812Ser)

Genes: TTN (titin; minus strand), TTN-AS1 (TTN antisense RNA 1; plus strand). Cytogenetic location: 2q31.2.
Variant type: single nucleotide variant.
Coding change: c.83434G>T on transcript NM_001267550.2 (MANE Select); coding-DNA position 83434, G replaced by T.
Protein change: p.Ala27812Ser; replaces alanine 27812 with serine.
Molecular consequence: missense variant.
Genome position (GRCh38, 1-based): chr2:178,562,698, C>A on the plus strand (G>T on the coding strand, the complement: TTN is on the minus strand). VCF-style: chr2-178562698-C-A. GRCh37 (hg19) VCF-style: chr2-179427425-C-A.
Other names: c.78511G>T, p.Ala26171Ser (NM_001256850.1); c.56239G>T, p.Ala18747Ser (NM_003319.4); c.56614G>T, p.Ala18872Ser (NM_133432.3); c.56815G>T, p.Ala18939Ser (NM_133437.4); c.83434G>T (NM_001267550.1); short protein forms A27812S, A18939S, A18872S, A26171S, A18747S.
Identifiers: ClinVar variation 167765 (VCV000167765.8), dbSNP rs727504186, ClinGen allele CA235057.